The following is an entry in ClinVar:

NM_000246.4(CIITA):c.1324C>T (p.Leu442Phe)

Gene: CIITA (class II major histocompatibility complex transactivator; plus strand). Cytogenetic location: 16p13.13.
Variant type: single nucleotide variant.
Coding change: c.1324C>T on transcript NM_000246.4 (MANE Select); coding-DNA position 1324, C replaced by T.
Protein change: p.Leu442Phe; replaces leucine 442 with phenylalanine.
Molecular consequence: missense variant. On other transcripts: intron variant (1).
Genome position (GRCh38, 1-based): chr16:10,906,816, C>T. VCF-style: chr16-10906816-C-T. GRCh37 (hg19) VCF-style: chr16-11000673-C-T.
Other names: c.1327C>T, p.Leu443Phe (NM_001286402.1, NM_001379332.1); c.1180C>T, p.Leu394Phe (NM_001379330.1); c.1177C>T, p.Leu393Phe (NM_001379331.1); c.1324C>T, p.Leu442Phe (NM_001379333.1); c.1255C>T, p.Leu419Phe (NM_001379334.1); c.859+2004C>T (NM_001286403.2); short protein forms L393F, L394F, L419F, L442F, L443F.
Identifiers: ClinVar variation 1424497 (VCV001424497.6), dbSNP rs1357669000, ClinGen allele CA394730257.

ClinVar aggregate classification (germline): Uncertain significance (1 of 4 stars; one submission).

Conditions:
MHC class II deficiency. Also called: BLS, TYPE II; Bare lymphocyte syndrome 2. Identifiers: Orphanet 572, MedGen C5447452, MONDO:0008855.

Allele frequency attached by ClinVar (database versions not stated): gnomAD exomes below 0.00001; gnomAD 0.00001.
gnomAD v4.1: 2 of 1,612,706 alleles (0.00012%); highest among the groups gnomAD compares: Non-Finnish European, 0.00017%; no homozygotes.

Submission:

Labcorp Genetics (formerly Invitae), Labcorp
Classification: Uncertain significance for MHC class II deficiency. Last evaluated: 2022-06-03. Review status: criteria provided, single submitter. Criteria: Invitae Variant Classification Sherloc (09022015). Collection method: clinical testing. Allele origin: germline.
Comment: ClinVar contains an entry for this variant (Variation ID: 1424497). This sequence change replaces leucine, which is neutral and non-polar, with phenylalanine, which is neutral and non-polar, at codon 442 of the CIITA protein (p.Leu442Phe). This variant is present in population databases (no rsID available, gnomAD 0.0008%). This variant has not been reported in the literature in individuals affected with CIITA-related conditions. Algorithms developed to predict the effect of missense changes on protein structure and function are either unavailable or do not agree on the potential impact of this missense change (SIFT: "Tolerated"; PolyPhen-2: "Possibly Damaging"; Align-GVGD: "Class C0"). In summary, the available evidence is currently insufficient to determine the role of this variant in disease. Therefore, it has been classified as a Variant of Uncertain Significance.